The following is an entry in ClinVar:

NM_001375524.1(TRRAP):c.4910GCACCA[3] (p.Thr1640_Met1641insSerThr)

Gene: TRRAP (transformation/transcription domain associated protein; plus strand). Cytogenetic location: 7q22.1.
Variant type: Microsatellite.
Coding change: c.4910GCACCA[3] on transcript NM_001375524.1 (MANE Select); three copies in a row of the 6-base unit GCACCA starting at c.4910; the reference has two copies in a row; one copy, 6 bases duplicated.
Protein change: p.Thr1640_Met1641insSerThr.
Genome position (GRCh38, 1-based): chr7:98,949,544-98,949,549, GCACCA duplicated; duplicating any 6 consecutive bases within chr7:98,949,535-98,949,549 gives the same sequence; the position shown is the placement nearest the transcript's 3' end. VCF-style (leftmost placement, unchanged base first): chr7-98949534-C-CCCAGCA. GRCh37 (hg19) VCF-style: chr7-98547157-C-CCCAGCA.
Other names: c.4889GCACCA[3], p.Thr1633_Met1634insSerThr (NM_001244580.2); c.4835GCACCA[3], p.Thr1615_Met1616insSerThr (NM_003496.4); c.4841_4846dup6 (NM_003496.3).
Identifiers: ClinVar variation 3715974 (VCV003715974.3).

ClinVar aggregate classification (germline): Uncertain significance. Review status: criteria provided, multiple submitters, no conflicts (2 of 4 stars). 2 submissions from 2 submitters: Uncertain significance (2). Last evaluated 2026-08-19.

Conditions:
TRRAP-related disorder. Also called: TRRAP-related condition.

Submissions (2):

PreventionGenetics, part of Exact Sciences
Classification: Uncertain significance for TRRAP-related condition. Last evaluated: 2026-08-19. Review status: criteria provided, single submitter. Criteria: ACMG Guidelines, 2015. Collection method: clinical testing. Allele origin: germline.
Comment: The TRRAP c.4841_4846dup6 variant is predicted to result in an in-frame duplication (p.Ser1614_Thr1615dup). To our knowledge, this variant has not been reported in the literature. This variant is reported in 0.0055% of alleles in individuals of European (Non-Finnish) descent in gnomAD. At this time, the clinical significance of this variant is uncertain due to the absence of conclusive functional and genetic evidence.

Labcorp Genetics (formerly Invitae), Labcorp
Classification: Uncertain significance. Last evaluated: 2025-10-13. Review status: criteria provided, single submitter. Criteria: Invitae Variant Classification Sherloc (09022015). Collection method: clinical testing. Allele origin: germline.
Comment: This variant, c.4841_4846dup, results in the insertion of 2 amino acid(s) of the TRRAP protein (p.Ser1614_Thr1615dup), but otherwise preserves the integrity of the reading frame. This variant is present in population databases (rs782421604, gnomAD 0.006%). This variant has not been reported in the literature in individuals affected with TRRAP-related conditions. This variant has been observed in at least one individual who was not affected with TRRAP-related conditions (internal data). Experimental studies and prediction algorithms are not available or were not evaluated, and the functional significance of this variant is currently unknown. In summary, the available evidence is currently insufficient to determine the role of this variant in disease. Therefore, it has been classified as a Variant of Uncertain Significance.